The following is an entry in ClinVar:

ClinVar aggregate classification (germline): Conflicting classifications of pathogenicity. Review status: criteria provided, conflicting classifications (1 of 4 stars). 7 submissions from 7 submitters: Uncertain significance (2); Likely benign (4). 1 of the submissions does not count toward it. Last evaluated 2026-09-04.

Conditions:
Hereditary cancer-predisposing syndrome. Also called: Tumor predisposition; Hereditary neoplastic syndrome; Neoplastic Syndromes, Hereditary; Hereditary Cancer Syndrome. Identifiers: Orphanet 140162, MedGen C0027672, MeSH D009386, MONDO:0015356.
Tuberous sclerosis syndrome (TSC). Also called: Tuberous Sclerosis Complex; Tuberous sclerosis. Identifiers: Orphanet 805, MedGen C0041341, MONDO:0001734.
Tuberous sclerosis 2 (TSC2). Identifiers: Orphanet 805, MedGen C1860707, MONDO:0013199, OMIM 613254.

Allele frequency attached by ClinVar (database versions not stated): ExAC 0.00006; TOPMed 0.00001; gnomAD 0.00002 and 0.00003; 1000 Genomes Project 30x 0.00016; 1000 Genomes Project 0.00020.
gnomAD v4.1: 30 of 1,607,002 alleles (0.0019%); highest among the groups gnomAD compares: Middle Eastern, 0.017%; no homozygotes.

Submissions (7):

GeneDx
Classification: Uncertain significance. Last evaluated: 2026-09-04. Review status: criteria provided, single submitter. Criteria: GeneDx Variant Classification Process June 2021. Collection method: clinical testing. Allele origin: germline.
Comment: In silico analysis supports that this missense variant has a deleterious effect on protein structure/function; Has not been previously published as pathogenic or benign to our knowledge

Labcorp Genetics (formerly Invitae), Labcorp
Classification: Likely benign for Tuberous sclerosis 2. Last evaluated: 2026-01-20. Review status: criteria provided, single submitter. Criteria: Invitae Variant Classification Sherloc (09022015). Collection method: clinical testing. Allele origin: germline.

Myriad Genetics, Inc.
Classification: Likely benign for Tuberous sclerosis 2. Last evaluated: 2025-06-03. Review status: criteria provided, single submitter. Criteria: Myriad Autosomal Dominant, Autosomal Recessive and X-Linked Classification Criteria (2023). Collection method: clinical testing. Allele origin: unknown.
Comment: This variant is considered likely benign. This variant has been observed at a population frequency that is significantly greater than expected given the associated disease prevalence and penetrance.

Ambry Genetics
Classification: Likely benign for Hereditary cancer-predisposing syndrome. Last evaluated: 2022-07-29. Review status: criteria provided, single submitter. Criteria: Ambry Variant Classification Scheme 2023. Collection method: clinical testing. Allele origin: germline.

Genome-Nilou Lab
Classification: Uncertain significance for Tuberous sclerosis 2. Last evaluated: 2021-11-07. Review status: criteria provided, single submitter. Criteria: ACMG Guidelines, 2015. Collection method: clinical testing. Allele origin: germline. Affected: no.

Blueprint Genetics
Classification: Likely benign. Last evaluated: 2021-05-10. Review status: criteria provided, single submitter. Criteria: ACMG Guidelines, 2015. Collection method: clinical testing. Allele origin: germline.

Tuberous sclerosis database (TSC2)
No classification provided. Condition: TSC. Review status: no classification provided. Criteria: Tuberous Sclerosis Database Assertion Criteria 2015. Collection method: curation. Allele origin: germline. Affected: no. Not counted in ClinVar's aggregate classification.

NM_000548.5(TSC2):c.4355C>T (p.Ser1452Leu)

Gene: TSC2 (TSC complex subunit 2; plus strand). Cytogenetic location: 16p13.3.
Variant type: single nucleotide variant.
Coding change: c.4355C>T on transcript NM_000548.5 (MANE Select); coding-DNA position 4355, C replaced by T.
Protein change: p.Ser1452Leu; replaces serine 1452 with leucine.
Molecular consequence: missense variant.
Genome position (GRCh38, 1-based): chr16:2,084,577, C>T. VCF-style: chr16-2084577-C-T. GRCh37 (hg19) VCF-style: chr16-2134578-C-T.
Other names: p.S1452L:TCG>TTG; c.4154C>T, p.Ser1385Leu (NM_001077183.3); c.4286C>T, p.Ser1429Leu (NM_001114382.3); c.4046C>T, p.Ser1349Leu (NM_001318827.2); c.4010C>T, p.Ser1337Leu (NM_001318829.2); c.3623C>T, p.Ser1208Leu (NM_001318831.2); c.4187C>T, p.Ser1396Leu (NM_001318832.2); c.4157C>T, p.Ser1386Leu (NM_001363528.2); and 2 more; short protein forms S1452L, S1349L, S1429L, S1208L, S1385L, S1386L, S1396L, S1408L.
Identifiers: ClinVar variation 49829 (VCV000049829.34), dbSNP rs45517339, ClinGen allele CA020322.